The following is an entry in ClinVar:

ClinVar aggregate classification (germline): Uncertain significance (1 of 4 stars; one submission).

Submission:

Labcorp Genetics (formerly Invitae), Labcorp
Classification: Uncertain significance. Last evaluated: 2022-11-15. Review status: criteria provided, single submitter. Criteria: Invitae Variant Classification Sherloc (09022015). Collection method: clinical testing. Allele origin: germline.
Comment: In summary, the available evidence is currently insufficient to determine the role of this variant in disease. Therefore, it has been classified as a Variant of Uncertain Significance. Algorithms developed to predict the effect of sequence changes on RNA splicing suggest that this variant may disrupt the consensus splice site. Algorithms developed to predict the effect of missense changes on protein structure and function are either unavailable or do not agree on the potential impact of this missense change (SIFT: "Deleterious"; PolyPhen-2: "Not Available"; Align-GVGD: "Class C0"). This variant has not been reported in the literature in individuals affected with ERCC6L2-related conditions. This variant is not present in population databases (gnomAD no frequency). This sequence change replaces arginine, which is basic and polar, with serine, which is neutral and polar, at codon 249 of the ERCC6L2 protein (p.Arg249Ser).

NM_020207.7(ERCC6L2):c.712C>A (p.Arg238Ser)

Gene: ERCC6L2 (ERCC excision repair 6 like 2; plus strand). Cytogenetic location: 9q22.32.
Variant type: single nucleotide variant.
Coding change: c.712C>A on transcript NM_020207.7 (MANE Select); coding-DNA position 712, C replaced by A.
Protein change: p.Arg238Ser; replaces arginine 238 with serine.
Molecular consequence: missense variant. On other transcripts: non-coding transcript variant (1).
Genome position (GRCh38, 1-based): chr9:95,907,195, C>A. VCF-style: chr9-95907195-C-A. GRCh37 (hg19) VCF-style: chr9-98669477-C-A.
Other names: c.712C>A, p.Arg238Ser (NM_001010895.4, NM_001375291.1, NM_001375292.1 and 2 more transcripts); short protein forms R238S.
Identifiers: ClinVar variation 2814394 (VCV002814394.3), dbSNP rs760548288, ClinGen allele CA374121055.
Genomic context (GRCh38, chr9:95,907,195, plus strand): 5'-ACCTGGGGATATTTCAGAGTCACTGTTTTACATGGAAACAGAAAAGATAATGAATTAATT[C>A]GTGTAAAGCAGAGGAAATGTGAAATTGCTCTAACAACTTATGAAACACTACGCTTATGCC-3'
Protein context (NP_064592.3, residues 228-248): HGNRKDNELI[Arg238Ser]VKQRKCEIAL